The following is an entry in ClinVar:

NC_000007.14:g.(?_128848551)_(128848992_?)del

Gene: FLNC (filamin C; plus strand). Cytogenetic location: 7q32.1.
Variant type: Deletion.
Identifiers: ClinVar variation 830847 (VCV000830847.6).

ClinVar aggregate classification (germline): Pathogenic (1 of 4 stars; one submission).

Conditions:
Myofibrillar myopathy 5. Also called: Filaminopathy (type); FILAMINOPATHY, AUTOSOMAL DOMINANT. Identifiers: Orphanet 171445, MedGen C1836050, MONDO:0012289, OMIM 609524.
Hypertrophic cardiomyopathy 26. Also called: Cardiomyopathy, familial hypertrophic, 26. Identifiers: Orphanet 75249, MedGen C4310749, MONDO:0014883, OMIM 617047.
Distal myopathy with posterior leg and anterior hand involvement. Also called: WILLIAMS DISTAL MYOPATHY. Identifiers: Orphanet 63273, MedGen C3279722, MONDO:0013550, OMIM 614065.
Dilated Cardiomyopathy, Dominant.

Submission:

Labcorp Genetics (formerly Invitae), Labcorp
Classification: Pathogenic for Distal myopathy with posterior leg and anterior hand involvement; Myofibrillar myopathy 5; Hypertrophic cardiomyopathy 26. Last evaluated: 2019-07-08. Review status: criteria provided, single submitter. Criteria: Invitae Variant Classification Sherloc (09022015). Collection method: clinical testing. Allele origin: germline.
Comment: For these reasons, this variant has been classified as Pathogenic. Loss-of-function variants in FLNC are known to be pathogenic (PMID: 27908349). This variant has not been reported in the literature in individuals with FLNC-related conditions. This variant is an out-of-frame deletion of the genomic region encompassing exons 27-28 of the FLNC gene. This is expected to create a premature translational stop signal and result in an absent or disrupted protein product.

Literature cited by the submitters: PubMed 27908349.